The following is an entry in ClinVar:

ClinVar aggregate classification (germline): Benign (1 of 4 stars; one submission).

Conditions:
Hereditary spastic paraplegia 31. Also called: SPASTIC PARAPLEGIA 31, AUTOSOMAL DOMINANT. Identifiers: Orphanet 101011, MedGen C1853247, MONDO:0012453, OMIM 610250.

Allele frequency attached by ClinVar (database versions not stated): 1000 Genomes Project 0.00220; 1000 Genomes Project 30x 0.00250; TOPMed 0.00270.

Submission:

Illumina Laboratory Services, Illumina
Classification: Benign for Hereditary spastic paraplegia 31. Last evaluated: 2018-01-12. Review status: criteria provided, single submitter. Criteria: ICSL Variant Classification Criteria 13 December 2019. Collection method: clinical testing. Allele origin: germline.
Comment: This variant was observed in the ICSL laboratory as part of a predisposition screen in an ostensibly healthy population. It had not been previously curated by ICSL or reported in the Human Gene Mutation Database (HGMD: prior to June 1st, 2018), and was therefore a candidate for classification through an automated scoring system. Utilizing variant allele frequency, disease prevalence and penetrance estimates, and inheritance mode, an automated score was calculated to assess if this variant is too frequent to cause the disease. Based on the score and internal cut-off values, a variant classified as benign is not then subjected to further curation. The score for this variant resulted in a classification of benign for this disease.

NM_001371279.1(REEP1):c.*509T>C

Gene: REEP1 (receptor accessory protein 1; minus strand). Cytogenetic location: 2p11.2.
Variant type: single nucleotide variant.
Coding change: c.*509T>C on transcript NM_001371279.1 (MANE Select); 509 bases downstream of the stop codon, T replaced by C.
Molecular consequence: 3 prime UTR variant.
Genome position (GRCh38, 1-based): chr2:86,216,530, A>G on the plus strand (T>C on the coding strand, the complement: REEP1 is on the minus strand). VCF-style: chr2-86216530-A-G. GRCh37 (hg19) VCF-style: chr2-86443653-A-G.
Other names: c.*570T>C (NM_001164730.2, NM_001164731.2, NM_022912.3); c.*509T>C (NM_001164732.2, NM_001371280.1).
Identifiers: ClinVar variation 898519 (VCV000898519.4), dbSNP rs145058780, ClinGen allele CA51356330.